The following is an entry in ClinVar:

NM_005896.4(IDH1):c.38T>C (p.Met13Thr)

Gene: IDH1 (isocitrate dehydrogenase (NADP(+)) 1; minus strand). Cytogenetic location: 2q34.
Variant type: single nucleotide variant.
Coding change: c.38T>C on transcript NM_005896.4 (MANE Select); coding-DNA position 38, T replaced by C.
Protein change: p.Met13Thr; replaces methionine 13 with threonine.
Molecular consequence: missense variant.
Genome position (GRCh38, 1-based): chr2:208,251,514, A>G on the plus strand (T>C on the coding strand, the complement: IDH1 is on the minus strand). VCF-style: chr2-208251514-A-G. GRCh37 (hg19) VCF-style: chr2-209116238-A-G.
Other names: c.38T>C, p.Met13Thr (NM_001282386.1, NM_001282387.1); short protein forms M13T.
Identifiers: ClinVar variation 1736013 (VCV001736013.2), dbSNP rs1045831045, ClinGen allele CA64590225.

ClinVar aggregate classification (germline): Uncertain significance (1 of 4 stars; one submission).

Submission:

Ambry Genetics
Classification: Uncertain significance. Last evaluated: 2022-09-16. Review status: criteria provided, single submitter. Criteria: Ambry Variant Classification Scheme 2023. Collection method: clinical testing. Allele origin: germline.
Comment: The p.M13T variant (also known as c.38T>C), located in coding exon 1 of the IDH1 gene, results from a T to C substitution at nucleotide position 38. The methionine at codon 13 is replaced by threonine, an amino acid with similar properties. This amino acid position is conserved. In addition, this alteration is predicted to be deleterious by in silico analysis. Since supporting evidence is limited at this time, the clinical significance of this alteration remains unclear.